The following is an entry in ClinVar:

NM_005120.3(MED12):c.3009C>G (p.Thr1003=)

Gene: MED12 (mediator complex subunit 12; plus strand). Cytogenetic location: Xq13.1.
Variant type: single nucleotide variant.
Coding change: c.3009C>G on transcript NM_005120.3 (MANE Select); coding-DNA position 3009, C replaced by G.
Protein change: p.Thr1003=; no amino-acid change (threonine 1003 retained).
Molecular consequence: synonymous variant.
Genome position (GRCh38, 1-based): chrX:71,127,920, C>G. VCF-style: chrX-71127920-C-G. GRCh37 (hg19) VCF-style: chrX-70347770-C-G.
Other names: c.3009C>G (NM_005120.2).
Identifiers: ClinVar variation 2965829 (VCV002965829.6), dbSNP rs375493995, ClinGen allele CA10444440.

ClinVar aggregate classification (germline): Benign/Likely benign. Review status: criteria provided, multiple submitters, no conflicts (2 of 4 stars). 3 submissions from 3 submitters: Benign (1); Likely benign (1). 1 of the submissions does not count toward it. Last evaluated 2025-01-13.

Conditions:
Familial thoracic aortic aneurysm and aortic dissection (TAAD). Also called: Thoracic aortic aneurysms and dissections. Identifiers: Orphanet 91387, MedGen C4707243, MONDO:0019625.
FG syndrome (FGS). Identifiers: MedGen C0220769, MONDO:0002010.
MED12-Related Disorders. Also called: MED12-related condition; MED12-related disorder. Identifiers: MedGen CN381102.

Allele frequency attached by ClinVar (database versions not stated): gnomAD 0.00002.

Submissions (3):

Labcorp Genetics (formerly Invitae), Labcorp
Classification: Benign for FG syndrome. Last evaluated: 2025-01-13. Review status: criteria provided, single submitter. Criteria: Invitae Variant Classification Sherloc (09022015). Collection method: clinical testing. Allele origin: germline.

Ambry Genetics
Classification: Likely benign for Familial thoracic aortic aneurysm and aortic dissection. Last evaluated: 2023-12-02. Review status: criteria provided, single submitter. Criteria: Ambry Variant Classification Scheme 2023. Collection method: clinical testing. Allele origin: germline.

PreventionGenetics, part of Exact Sciences
Classification: Likely benign for MED12-related condition. Last evaluated: 2021-12-29. Review status: no assertion criteria provided. Collection method: clinical testing. Allele origin: germline. Not counted in ClinVar's aggregate classification.
Comment: This variant is classified as likely benign based on ACMG/AMP sequence variant interpretation guidelines (Richards et al. 2015 PMID: 25741868, with internal and published modifications).